The following is an entry in ClinVar:

NM_014974.3(DIP2C):c.3820G>A (p.Ala1274Thr)

Gene: DIP2C (DIP2 acetate--CoA ligase C (putative); minus strand). Cytogenetic location: 10p15.3.
Variant type: single nucleotide variant.
Coding change: c.3820G>A on transcript NM_014974.3 (MANE Select); coding-DNA position 3820, G replaced by A.
Protein change: p.Ala1274Thr; replaces alanine 1274 with threonine.
Molecular consequence: missense variant.
Genome position (GRCh38, 1-based): chr10:327,110, C>T on the plus strand (G>A on the coding strand, the complement: DIP2C is on the minus strand). VCF-style: chr10-327110-C-T. GRCh37 (hg19) VCF-style: chr10-373050-C-T.
Other names: short protein forms A1274T.
Identifiers: ClinVar variation 2043942 (VCV002043942.4), dbSNP rs780701624, ClinGen allele CA5379780.

ClinVar aggregate classification (germline): Uncertain significance (1 of 4 stars; one submission).

Allele frequency attached by ClinVar (database versions not stated): ExAC 0.00004; gnomAD exomes 0.00008; TOPMed 0.00005; gnomAD 0.00005.
gnomAD v4.1: 120 of 1,613,962 alleles (0.0074%); highest among the groups gnomAD compares: Non-Finnish European, 0.0097%; no homozygotes.

Submission:

Labcorp Genetics (formerly Invitae), Labcorp
Classification: Uncertain significance. Last evaluated: 2022-05-25. Review status: criteria provided, single submitter. Criteria: Invitae Variant Classification Sherloc (09022015). Collection method: clinical testing. Allele origin: germline.
Comment: In summary, the available evidence is currently insufficient to determine the role of this variant in disease. Therefore, it has been classified as a Variant of Uncertain Significance. This sequence change replaces alanine, which is neutral and non-polar, with threonine, which is neutral and polar, at codon 1274 of the DIP2C protein (p.Ala1274Thr). This variant is present in population databases (rs780701624, gnomAD 0.009%). This variant has not been reported in the literature in individuals affected with DIP2C-related conditions. Algorithms developed to predict the effect of missense changes on protein structure and function (SIFT, PolyPhen-2, Align-GVGD) all suggest that this variant is likely to be tolerated.